The following is an entry in ClinVar:

ClinVar aggregate classification (germline): Uncertain significance (1 of 4 stars; one submission).

Conditions:
Aortic valve disease 2 (AOVD2). Identifiers: MedGen C3542024, MONDO:0013902, OMIM 614823.

Submission:

Labcorp Genetics (formerly Invitae), Labcorp
Classification: Uncertain significance for Aortic valve disease 2. Last evaluated: 2022-08-27. Review status: criteria provided, single submitter. Criteria: Invitae Variant Classification Sherloc (09022015). Collection method: clinical testing. Allele origin: germline.
Comment: In summary, the available evidence is currently insufficient to determine the role of this variant in disease. Therefore, it has been classified as a Variant of Uncertain Significance. This variant has not been reported in the literature in individuals affected with SMAD6-related conditions. This variant is not present in population databases (gnomAD no frequency). This sequence change creates a premature translational stop signal (p.Arg50*) in the SMAD6 gene. It is expected to result in an absent or disrupted protein product. However, the current clinical and genetic evidence is not sufficient to establish whether loss-of-function variants in SMAD6 cause disease.

NM_005585.5(SMAD6):c.148A>T (p.Arg50Ter)

Gene: SMAD6 (SMAD family member 6; plus strand). Cytogenetic location: 15q22.31.
Variant type: single nucleotide variant.
Coding change: c.148A>T on transcript NM_005585.5 (MANE Select); coding-DNA position 148, A replaced by T.
Protein change: p.Arg50Ter; replaces arginine 50 with a stop codon.
Molecular consequence: nonsense. On other transcripts: non-coding transcript variant (1).
Genome position (GRCh38, 1-based): chr15:66,703,406, A>T. VCF-style: chr15-66703406-A-T. GRCh37 (hg19) VCF-style: chr15-66995744-A-T.
Other names: short protein forms R50*.
Identifiers: ClinVar variation 2027443 (VCV002027443.4), dbSNP rs1893022542, ClinGen allele CA392948713.
Genomic context (GRCh38, chr15:66,703,406, plus strand): 5'-GGCGGTGGCGGCGACGAGGATGGGAGCTTGGGCAGCCGAGCTGAGCCGGCCCCGCGGGCA[A>T]GAGAGGGCGGAGGCTGCGGCCGCTCCGAAGTCCGCCCGGTAGCCCCGCGGCGGCCCCGGG-3'